The following is an entry in ClinVar:

NM_000321.3(RB1):c.1355T>G (p.Leu452Trp)

Gene: RB1 (RB transcriptional corepressor 1; plus strand). Cytogenetic location: 13q14.2.
Variant type: single nucleotide variant.
Coding change: c.1355T>G on transcript NM_000321.3 (MANE Select); coding-DNA position 1355, T replaced by G.
Protein change: p.Leu452Trp; replaces leucine 452 with tryptophan.
Molecular consequence: missense variant.
Genome position (GRCh38, 1-based): chr13:48,379,616, T>G. VCF-style: chr13-48379616-T-G. GRCh37 (hg19) VCF-style: chr13-48953752-T-G.
Other names: c.1355T>G (NM_000321.2); short protein forms L452W.
Identifiers: ClinVar variation 1062931 (VCV001062931.11), dbSNP rs2138140900, ClinGen allele CA388162576.

ClinVar aggregate classification (germline): Uncertain significance. Review status: criteria provided, multiple submitters, no conflicts (2 of 4 stars). 2 submissions from 2 submitters: Uncertain significance (2). Last evaluated 2026-06-16.

Conditions:
Retinoblastoma (RB1). Also called: RETINOBLASTOMA, SOMATIC. Identifiers: Orphanet 790, MedGen C0035335, MeSH D012175, MONDO:0008380, OMIM 180200, HP:0009919. Disease mechanism: loss of function. Inheritance: Both sporadic and heritable forms are tested..
Hereditary cancer-predisposing syndrome. Also called: Tumor predisposition; Hereditary Cancer Syndrome; Hereditary neoplastic syndrome; Neoplastic Syndromes, Hereditary. Identifiers: Orphanet 140162, MedGen C0027672, MeSH D009386, MONDO:0015356.

gnomAD v4.1: 1 of 1,612,766 alleles (0.000062%); highest among the groups gnomAD compares: Non-Finnish European, 0.000085%; no homozygotes.

Submissions (2):

Ambry Genetics
Classification: Uncertain significance for Hereditary cancer-predisposing syndrome. Last evaluated: 2026-06-16. Review status: criteria provided, single submitter. Criteria: Ambry Variant Classification Scheme 2023. Collection method: clinical testing. Allele origin: germline.
Comment: The p.L452W variant (also known as c.1355T>G), located in coding exon 14 of the RB1 gene, results from a T to G substitution at nucleotide position 1355. The leucine at codon 452 is replaced by tryptophan, an amino acid with similar properties. This amino acid position is highly conserved in available vertebrate species. In addition, this alteration is predicted to be deleterious by in silico analysis. Based on the available evidence, the clinical significance of this variant remains unclear.

Labcorp Genetics (formerly Invitae), Labcorp
Classification: Uncertain significance for Retinoblastoma. Last evaluated: 2020-09-19. Review status: criteria provided, single submitter. Criteria: Invitae Variant Classification Sherloc (09022015). Collection method: clinical testing. Allele origin: germline.
Comment: In summary, the available evidence is currently insufficient to determine the role of this variant in disease. Therefore, it has been classified as a Variant of Uncertain Significance. Advanced modeling of protein sequence and biophysical properties (such as structural, functional, and spatial information, amino acid conservation, physicochemical variation, residue mobility, and thermodynamic stability) performed at Invitae indicates that this missense variant is expected to disrupt RB1 protein function. This variant has not been reported in the literature in individuals with RB1-related conditions. This variant is not present in population databases (ExAC no frequency). This sequence change replaces leucine with tryptophan at codon 452 of the RB1 protein (p.Leu452Trp). The leucine residue is highly conserved and there is a small physicochemical difference between leucine and tryptophan.